The following is an entry in ClinVar:

ClinVar aggregate classification (germline): Uncertain significance (1 of 4 stars; one submission).

Conditions:
Inborn genetic diseases. Identifiers: MedGen C0950123, MeSH D030342.

gnomAD v4.1: 1 of 1,590,420 alleles (0.000063%); highest among the groups gnomAD compares: East Asian, 0.0022%; no homozygotes.

Submission:

Ambry Genetics
Classification: Uncertain significance for Inborn genetic diseases. Last evaluated: 2026-01-09. Review status: criteria provided, single submitter. Criteria: Ambry Variant Classification Scheme 2023. Collection method: clinical testing. Allele origin: germline.
Comment: The c.7967A>G (p.H2656R) alteration is located in exon 21 (coding exon 21) of the PKD1 gene. This alteration results from a A to G substitution at nucleotide position 7967, causing the histidine (H) at amino acid position 2656 to be replaced by an arginine (R). Based on data from gnomAD, the G allele has an overall frequency of <0.001% (1/229236) total alleles studied. The highest observed frequency was 0.006% (1/17976) of East Asian alleles. Based on insufficient or conflicting evidence, the clinical significance of this alteration remains unclear.

NM_001009944.3(PKD1):c.7967A>G (p.His2656Arg)

Gene: PKD1 (polycystin 1, transient receptor potential channel interacting; minus strand). Cytogenetic location: 16p13.3.
Variant type: single nucleotide variant.
Coding change: c.7967A>G on transcript NM_001009944.3 (MANE Select); coding-DNA position 7967, A replaced by G.
Protein change: p.His2656Arg; replaces histidine 2656 with arginine.
Molecular consequence: missense variant.
Genome position (GRCh38, 1-based): chr16:2,105,371, T>C on the plus strand (A>G on the coding strand, the complement: PKD1 is on the minus strand). VCF-style: chr16-2105371-T-C. GRCh37 (hg19) VCF-style: chr16-2155372-T-C.
Other names: c.7967A>G, p.His2656Arg (NM_000296.4); short protein forms H2656R.
Identifiers: ClinVar variation 4839110 (VCV004839110.1).